The following is an entry in ClinVar:

ClinVar aggregate classification (germline): Uncertain significance. Review status: criteria provided, multiple submitters, no conflicts (2 of 4 stars). 2 submissions from 2 submitters: Uncertain significance (2). Last evaluated 2025-11-08.

Conditions:
Cardiovascular phenotype. Identifiers: MedGen CN230736.
Capillary malformation-arteriovenous malformation syndrome. Also called: Capillary malformation-arteriovenous malformation. Identifiers: Orphanet 137667, MedGen C1842180, MONDO:0012016.

gnomAD v4.1: 3 of 1,612,056 alleles (0.00019%); highest among the groups gnomAD compares: African/African-American, 0.0013%; no homozygotes.

Submissions (2):

Ambry Genetics
Classification: Uncertain significance for Cardiovascular phenotype. Last evaluated: 2025-11-08. Review status: criteria provided, single submitter. Criteria: Ambry Variant Classification Scheme 2023. Collection method: clinical testing. Allele origin: germline.

Labcorp Genetics (formerly Invitae), Labcorp
Classification: Uncertain significance for Capillary malformation-arteriovenous malformation syndrome. Last evaluated: 2025-05-08. Review status: criteria provided, single submitter. Criteria: Invitae Variant Classification Sherloc (09022015). Collection method: clinical testing. Allele origin: germline.
Comment: This sequence change replaces glycine, which is neutral and non-polar, with alanine, which is neutral and non-polar, at codon 85 of the RASA1 protein (p.Gly85Ala). This variant is present in population databases (rs372898275, gnomAD 0.007%). This variant has not been reported in the literature in individuals affected with RASA1-related conditions. An algorithm developed to predict the effect of missense changes on protein structure and function outputs the following: PolyPhen-2: "Possibly Damaging". The alanine amino acid residue is found in multiple mammalian species, which suggests that this missense change does not adversely affect protein function. In summary, the available evidence is currently insufficient to determine the role of this variant in disease. Therefore, it has been classified as a Variant of Uncertain Significance.

NM_002890.3(RASA1):c.254G>C (p.Gly85Ala)

Gene: RASA1 (RAS p21 protein activator 1; plus strand). Cytogenetic location: 5q14.3.
Variant type: single nucleotide variant.
Coding change: c.254G>C on transcript NM_002890.3 (MANE Select); coding-DNA position 254, G replaced by C.
Protein change: p.Gly85Ala; replaces glycine 85 with alanine.
Molecular consequence: missense variant.
Genome position (GRCh38, 1-based): chr5:87,268,705, G>C. VCF-style: chr5-87268705-G-C. GRCh37 (hg19) VCF-style: chr5-86564522-G-C.
Other names: short protein forms G85A.
Identifiers: ClinVar variation 4614819 (VCV004614819.2).